The following is an entry in ClinVar:

NM_018076.5(ODAD2):c.857_858del (p.Arg286fs)

Gene: ODAD2 (outer dynein arm docking complex subunit 2; minus strand). Cytogenetic location: 10p12.1.
Variant type: Microsatellite.
Coding change: c.857_858del on transcript NM_018076.5 (MANE Select); coding-DNA positions 857 to 858, 2 bases deleted (GA; older notation c.857_858delGA).
Protein change: p.Arg286fs; shifts the reading frame from arginine 286.
Molecular consequence: frameshift variant. On other transcripts: 5 prime UTR variant (2).
Genome position (GRCh38, 1-based): chr10:27,981,544-27,981,545, TC deleted on the plus strand (GA on the coding strand, the reverse complement: ODAD2 is on the minus strand); deleting any 2 consecutive bases within chr10:27,981,544-27,981,549 gives the same sequence; the c. name uses the placement nearest the transcript's 3' end. VCF-style (leftmost placement, unchanged base first): chr10-27981543-TTC-T. GRCh37 (hg19) VCF-style: chr10-28270472-TTC-T.
Other names: c.857_858del, p.Arg286fs (NM_001290020.2); c.-271GA[2] (NM_001290021.2); c.-72GA[2] (NM_001312689.2); short protein forms R286fs.
Identifiers: ClinVar variation 280673 (VCV000280673.8), dbSNP rs769346541, ClinGen allele CA5453693.
Genomic context (GRCh38, chr10:27,981,543, plus strand): 5'-CTGAAAATTTTGGTGATTTTTCTCTTAAAAATGTGACAAGGTTTTTATAAATTGAACCTT[TTC>T]TCTCATAATTAACGTCCCCTTCATCATCTGTTTTGCCCTTTGGGAAAAAACAAGTTTCAT-3'

ClinVar aggregate classification (germline): Pathogenic. Review status: criteria provided, multiple submitters, no conflicts (2 of 4 stars). 3 submissions from 3 submitters: Pathogenic (3). Last evaluated 2024-07-31.

Conditions:
Primary ciliary dyskinesia 23 (CILD23). Also called: CILIARY DYSKINESIA, PRIMARY, 23, WITH OR WITHOUT SITUS INVERSUS. Identifiers: Orphanet 244, MedGen C3809548, MONDO:0014193, OMIM 615451.

Submissions (3):

Labcorp Genetics (formerly Invitae), Labcorp
Classification: Pathogenic for Primary ciliary dyskinesia 23. Last evaluated: 2024-07-31. Review status: criteria provided, single submitter. Criteria: Invitae Variant Classification Sherloc (09022015). Collection method: clinical testing. Allele origin: germline.
Comment: This sequence change creates a premature translational stop signal (p.Arg286Lysfs*6) in the ARMC4 gene. It is expected to result in an absent or disrupted protein product. Loss-of-function variants in ARMC4 are known to be pathogenic (PMID: 23849778). This variant is present in population databases (rs769346541, gnomAD 0.04%). This premature translational stop signal has been observed in individual(s) with 28991257 (clinical features of primary ciliary dyskinesia). ClinVar contains an entry for this variant (Variation ID: 280673). For these reasons, this variant has been classified as Pathogenic.

Revvity Omics, Revvity
Classification: Pathogenic for Primary ciliary dyskinesia 23. Last evaluated: 2020-12-02. Review status: criteria provided, single submitter. Criteria: ACMG Guidelines, 2015. Collection method: clinical testing. Allele origin: germline.

GeneDx
Classification: Pathogenic. Last evaluated: 2017-11-30. Review status: criteria provided, single submitter. Criteria: GeneDx Variant Classification (06012015). Collection method: clinical testing. Allele origin: germline. Affected: yes.
Comment: The c.857_858delGA pathogenic variant in the ARMC4 gene has not been reported previously as a pathogenic variant nor as a benign variant, to our knowledge. The c.857_858delGA variant causes a frameshift starting with codon Arginine 286, changes this amino acid to a Lysine residue, and creates a premature Stop codon at position 6 of the new reading frame, denoted p.Arg286LysfsX6. This variant is predicted to cause loss of normal protein function either through protein truncation or nonsense-mediated mRNA decay. The c.857_858delGA variant was not observed in approximately 6500 individuals of European and African American ancestry in the NHLBI Exome Sequencing Project, indicating it is not a common benign variant in these populations. We interpret c.857_858delGA as a pathogenic variant.

Literature cited by the submitters: PubMed 23849778 (cited by Labcorp Genetics (formerly Invitae), Labcorp).